The following is an entry in ClinVar:

ClinVar aggregate classification (germline): Pathogenic. Review status: criteria provided, multiple submitters, no conflicts (2 of 4 stars). 2 submissions from 2 submitters: Pathogenic (2). Last evaluated 2025-03-10.

Conditions:
Catecholaminergic polymorphic ventricular tachycardia 1. Also called: VENTRICULAR TACHYCARDIA, CATECHOLAMINERGIC POLYMORPHIC, 1, WITH OR WITHOUT ATRIAL DYSFUNCTION AND/OR DILATED CARDIOMYOPATHY; VENTRICULAR TACHYCARDIA, STRESS-INDUCED POLYMORPHIC 1; RYR2-Related Catecholaminergic Polymorphic Ventricular Tachycardia. Identifiers: Orphanet 3286, MedGen C1631597, MONDO:0011484, OMIM 604772.

Submissions (2):

GeneDx
Classification: Pathogenic. Last evaluated: 2025-03-10. Review status: criteria provided, single submitter. Criteria: GeneDx Variant Classification Process June 2021. Collection method: clinical testing. Allele origin: germline. Affected: yes.
Comment: Located in one of the three hot-spot regions of the RYR2 gene, where the majority of pathogenic missense variants occur (PMID: 19926015); In silico analysis supports that this missense variant has a deleterious effect on protein structure/function; Not observed at significant frequency in large population cohorts (gnomAD); This variant is associated with the following publications: (PMID: 35982159, 33057194, 23595086, 19926015, 30403697)

Labcorp Genetics (formerly Invitae), Labcorp
Classification: Pathogenic for Catecholaminergic polymorphic ventricular tachycardia 1. Last evaluated: 2020-04-10. Review status: criteria provided, single submitter. Criteria: Invitae Variant Classification Sherloc (09022015). Collection method: clinical testing. Allele origin: germline.
Comment: For these reasons, this variant has been classified as Pathogenic. This variant disrupts the p.Arg2474 amino acid residue in RYR2. Other variant(s) that disrupt this residue have been determined to be pathogenic (PMID: 11208676, 18483626). This suggests that this residue is clinically significant, and that variants that disrupt this residue are likely to be disease-causing. Algorithms developed to predict the effect of sequence changes on RNA splicing suggest that this variant may create or strengthen a splice site, but this prediction has not been confirmed by published transcriptional studies. Algorithms developed to predict the effect of missense changes on protein structure and function (SIFT, PolyPhen-2, Align-GVGD) all suggest that this variant is likely to be disruptive, but these predictions have not been confirmed by published functional studies and their clinical significance is uncertain. This variant has been observed in individual(s) with clinical features of catecholaminergic polymorphic ventricular tachycardia (PMID: 30403697, Invitae). In at least one individual the variant was observed to be de novo. This variant is not present in population databases (ExAC no frequency). This sequence change replaces arginine with lysine at codon 2474 of the RYR2 protein (p.Arg2474Lys). The arginine residue is highly conserved and there is a small physicochemical difference between arginine and lysine.

Literature cited by the submitters: PubMed 11208676 (cited by Labcorp Genetics (formerly Invitae), Labcorp); PubMed 18483626 (cited by Labcorp Genetics (formerly Invitae), Labcorp); PubMed 30403697 (cited by Labcorp Genetics (formerly Invitae), Labcorp).

NM_001035.3(RYR2):c.7421G>A (p.Arg2474Lys)

Gene: RYR2 (ryanodine receptor 2; plus strand). Cytogenetic location: 1q43.
Variant type: single nucleotide variant.
Coding change: c.7421G>A on transcript NM_001035.3 (MANE Select); coding-DNA position 7421, G replaced by A.
Protein change: p.Arg2474Lys; replaces arginine 2474 with lysine.
Molecular consequence: missense variant.
Genome position (GRCh38, 1-based): chr1:237,648,522, G>A. VCF-style: chr1-237648522-G-A. GRCh37 (hg19) VCF-style: chr1-237811822-G-A.
Other names: short protein forms R2474K.
Identifiers: ClinVar variation 1072597 (VCV001072597.13), dbSNP rs2148789775, ClinGen allele CA345398296.